The following is an entry in ClinVar:

ClinVar aggregate classification (germline): Pathogenic (1 of 4 stars; one submission).

Allele frequency attached by ClinVar (database versions not stated): TOPMed below 0.00001.

Submission:

Labcorp Genetics (formerly Invitae), Labcorp
Classification: Pathogenic. Last evaluated: 2024-08-19. Review status: criteria provided, single submitter. Criteria: Invitae Variant Classification Sherloc (09022015). Collection method: clinical testing. Allele origin: germline.
Comment: This sequence change creates a premature translational stop signal (p.Lys142*) in the DRP2 gene. It is expected to result in an absent or disrupted protein product. Loss-of-function variants in DRP2 are known to be pathogenic (PMID: 22764250, 26227883). This variant is present in population databases (no rsID available, gnomAD 0.001%). This variant has not been reported in the literature in individuals affected with DRP2-related conditions. ClinVar contains an entry for this variant (Variation ID: 1909090). Algorithms developed to predict the effect of sequence changes on RNA splicing suggest that this variant may disrupt the consensus splice site. For these reasons, this variant has been classified as Pathogenic.

Literature cited by the submitters: PubMed 22764250; PubMed 26227883.

NM_001939.3(DRP2):c.424A>T (p.Lys142Ter)

Gene: DRP2 (dystrophin related protein 2; plus strand). Cytogenetic location: Xq22.1.
Variant type: single nucleotide variant.
Coding change: c.424A>T on transcript NM_001939.3 (MANE Select); coding-DNA position 424, A replaced by T.
Protein change: p.Lys142Ter; replaces lysine 142 with a stop codon.
Molecular consequence: nonsense.
Genome position (GRCh38, 1-based): chrX:101,237,761, A>T. VCF-style: chrX-101237761-A-T. GRCh37 (hg19) VCF-style: chrX-100492750-A-T.
Other names: c.190A>T, p.Lys64Ter (NM_001171184.2); short protein forms K64*, K142*.
Identifiers: ClinVar variation 1909090 (VCV001909090.5), dbSNP rs1340850124, ClinGen allele CA413913252.